The following is an entry in ClinVar:

ClinVar aggregate classification (germline): Likely pathogenic. Review status: criteria provided, multiple submitters, no conflicts (2 of 4 stars). 2 submissions from 2 submitters: Likely pathogenic (2). Last evaluated 2026-05-01.

gnomAD v4.1: 4 of 152,098 alleles (0.0026%); highest among the groups gnomAD compares: African/African-American, 0.0048%; no homozygotes.

Submissions (2):

CeGaT Center for Human Genetics Tuebingen
Classification: Likely pathogenic. Last evaluated: 2026-05-01. Review status: criteria provided, single submitter. Criteria: CeGaT Center For Human Genetics Tuebingen Variant Classification Criteria Version 2. Collection method: clinical testing. Allele origin: germline. Affected: yes. Observed: 1 variant allele.
Comment: HSPG2: PVS1:Strong, PM2, PM3

GeneDx
Classification: Likely pathogenic. Last evaluated: 2024-05-08. Review status: criteria provided, single submitter. Criteria: GeneDx Variant Classification Process June 2021. Collection method: clinical testing. Allele origin: germline. Affected: yes.
Comment: RNA studies demonstrate two cDNA products, one of which retains a pseudoexon and introduces a frameshift variant, indicating an abnormal splicing event (PMID: 16927315); Not observed at significant frequency in large population cohorts (gnomAD); This variant is associated with the following publications: (PMID: 19823873, 16927315)

NM_005529.7(HSPG2):c.574+481C>T

Gene: HSPG2 (heparan sulfate proteoglycan 2; minus strand). Cytogenetic location: 1p36.12.
Variant type: single nucleotide variant.
Coding change: c.574+481C>T on transcript NM_005529.7 (MANE Select); 481 bases into the intron after coding-DNA position 574, C replaced by T.
Molecular consequence: intron variant.
Genome position (GRCh38, 1-based): chr1:21,889,500, G>A on the plus strand (C>T on the coding strand, the complement: HSPG2 is on the minus strand). VCF-style: chr1-21889500-G-A. GRCh37 (hg19) VCF-style: chr1-22215993-G-A.
Other names: c.574+481C>T (NM_001291860.2).
Identifiers: ClinVar variation 3377995 (VCV003377995.3).